The following is an entry in ClinVar:

NM_000059.4(BRCA2):c.3046G>T (p.Glu1016Ter)

Gene: BRCA2 (BRCA2 DNA repair associated; plus strand). Cytogenetic location: 13q13.1.
Variant type: single nucleotide variant.
Coding change: c.3046G>T on transcript NM_000059.4 (MANE Select); coding-DNA position 3046, G replaced by T.
Protein change: p.Glu1016Ter; replaces glutamic acid 1016 with a stop codon.
Molecular consequence: nonsense.
Genome position (GRCh38, 1-based): chr13:32,337,401, G>T. VCF-style: chr13-32337401-G-T. GRCh37 (hg19) VCF-style: chr13-32911538-G-T.
Other names: short protein forms E1016*.
Identifiers: ClinVar variation 254513 (VCV000254513.46), dbSNP rs748508287, ClinGen allele CA6940656.

ClinVar aggregate classification (germline): Pathogenic. Review status: reviewed by expert panel (3 of 4 stars). 9 submissions from 9 submitters: Pathogenic (1). 8 of the submissions do not count toward it. Last evaluated 2016-09-08.

Conditions:
BRCA2-related disorder. Also called: BRCA2-related condition; BRCA2-related disorders. Identifiers: MedGen CN239275.
Hereditary cancer-predisposing syndrome. Also called: Tumor predisposition; Hereditary Cancer Syndrome; Neoplastic Syndromes, Hereditary; Hereditary neoplastic syndrome. Identifiers: Orphanet 140162, MedGen C0027672, MeSH D009386, MONDO:0015356.
Breast-ovarian cancer, familial, susceptibility to, 2 (BROVCA2). Also called: BRCA2 Hereditary Breast and Ovarian Cancer. Identifiers: Orphanet 145, MedGen C2675520, MONDO:0012933, OMIM 612555. Disease mechanism: loss of function.
Hereditary breast ovarian cancer syndrome. Also called: Hereditary breast and ovarian cancer; Hereditary breast and ovarian cancer syndrome; Hereditary breast and ovarian cancer syndrome (HBOC); Breast and ovarian cancer; Hereditary breast and/or ovarian cancer syndrome; BRCA1- and BRCA2-Associated Hereditary Breast and Ovarian Cancer. Identifiers: Orphanet 145, MedGen C0677776, MeSH D061325, MONDO:0003582. Disease mechanism: loss of function.

Allele frequency attached by ClinVar (database versions not stated): gnomAD exomes below 0.00001; ExAC 0.00001; gnomAD 0.00001.
gnomAD v4.1: 1 of 1,613,516 alleles (0.000062%); highest among the groups gnomAD compares: Non-Finnish European, 0.000085%; no homozygotes.

Submissions (9):

Evidence-based Network for the Interpretation of Germline Mutant Alleles (ENIGMA)
Classification: Pathogenic for Breast-ovarian cancer, familial, susceptibility to, 2. Last evaluated: 2016-09-08. Review status: reviewed by expert panel. Criteria: ENIGMA BRCA1/2 Classification Criteria (2015). Collection method: curation. Allele origin: germline.
Comment: Variant allele predicted to encode a truncated non-functional protein.

Dasa
Classification: Pathogenic for Breast-ovarian cancer, familial, susceptibility to, 2. Last evaluated: 2026-03-25. Review status: criteria provided, single submitter. Criteria: DASA Assertion Criteria. Collection method: clinical testing. Allele origin: germline. Not counted in ClinVar's aggregate classification.
Comment: NM_000059.4(BRCA2):c.3046G>T (p.Glu1016*) introduces a premature termination codon predicted to result in loss of normal protein function. Loss-of-function is an established mechanism of disease for this gene. The affected residue or protein region has prior evidence supporting clinical relevance. The variant is present at low frequency in population datasets. Based on the available data, this variant is classified as pathogenic.

PreventionGenetics, part of Exact Sciences
Classification: Pathogenic for BRCA2-related condition. Last evaluated: 2026-03-20. Review status: criteria provided, single submitter. Criteria: ACMG Guidelines, 2015. Collection method: clinical testing. Allele origin: germline. Not counted in ClinVar's aggregate classification.
Comment: The BRCA2 c.3046G>T variant is predicted to result in premature protein termination (p.Glu1016*). This variant was reported in individuals with breast and/or ovarian cancer (Palmero et al. 2018. PubMed ID: 29907814; Rebbeck et al. 2018. PubMed ID: 29446198; Gurioli et al. 2022. PubMed ID: 36555431). This variant is reported in 0.00088% of alleles in individuals of European (Non-Finnish) descent in gnomAD and is classified as pathogenic in ClinVar (Variation ID: 254513). This variant is expected to result in a truncated BRCA2 protein and loss-of-function variants in BRCA2 are expected to be pathogenic (Borg et al. 2010. PubMed ID: 20104584). This variant is interpreted as pathogenic.

Quest Diagnostics Nichols Institute San Juan Capistrano
Classification: Pathogenic. Last evaluated: 2025-06-25. Review status: criteria provided, single submitter. Criteria: Quest Diagnostics criteria. Collection method: clinical testing. Allele origin: unknown. Not counted in ClinVar's aggregate classification.
Comment: The BRCA2 c.3046G>T (p.Glu1016*) variant causes the premature termination of BRCA2 protein synthesis. This variant has been reported in the published literature in individuals with a personal or family history of breast and/or ovarian cancer (PMIDs: 29907814 (2018), 29446198 (2018)). The frequency of this variant in the general population (Genome Aggregation Database) is consistent with pathogenicity. Based on the available information, this variant is classified as pathogenic.

Labcorp Genetics (formerly Invitae), Labcorp
Classification: Pathogenic for Hereditary breast ovarian cancer syndrome. Last evaluated: 2023-08-16. Review status: criteria provided, single submitter. Criteria: Invitae Variant Classification Sherloc (09022015). Collection method: clinical testing. Allele origin: germline. Not counted in ClinVar's aggregate classification.
Comment: For these reasons, this variant has been classified as Pathogenic. ClinVar contains an entry for this variant (Variation ID: 254513). This premature translational stop signal has been observed in individual(s) with breast and/or ovarian cancer (PMID: 29446198, 29907814). This variant is present in population databases (rs748508287, gnomAD 0.0009%). This sequence change creates a premature translational stop signal (p.Glu1016*) in the BRCA2 gene. It is expected to result in an absent or disrupted protein product. Loss-of-function variants in BRCA2 are known to be pathogenic (PMID: 20104584).

CeGaT Center for Human Genetics Tuebingen
Classification: Pathogenic. Last evaluated: 2023-02-01. Review status: criteria provided, single submitter. Criteria: CeGaT Center For Human Genetics Tuebingen Variant Classification Criteria Version 2. Collection method: clinical testing. Allele origin: germline. Affected: yes. Observed: 1 variant allele. Not counted in ClinVar's aggregate classification.
Comment: BRCA2: PVS1, PP1:Moderate

Ambry Genetics
Classification: Pathogenic for Hereditary cancer-predisposing syndrome. Last evaluated: 2021-01-20. Review status: criteria provided, single submitter. Criteria: Ambry Variant Classification Scheme 2023. Collection method: clinical testing. Allele origin: germline. Not counted in ClinVar's aggregate classification.
Comment: The p.E1016* pathogenic mutation (also known as c.3046G>T), located in coding exon 10 of the BRCA2 gene, results from a G to T substitution at nucleotide position 3046. This changes the amino acid from a glutamic acid to a stop codon within coding exon 10. This alteration has been identified in studies of BRCA2 positive families of Brazilian descent (Palmero EI et al. Sci Rep, 2018 06;8:9188; Rebbeck TR et al. Hum Mutat, 2018 05;39:593-620).This alteration is expected to result in loss of function by premature protein truncation or nonsense-mediated mRNA decay. As such, this alteration is interpreted as a disease-causing mutation.

Color Diagnostics, LLC DBA Color Health
Classification: Pathogenic for Hereditary cancer-predisposing syndrome. Last evaluated: 2021-01-02. Review status: criteria provided, single submitter. Criteria: ACMG Guidelines, 2015. Collection method: clinical testing. Allele origin: germline. Not counted in ClinVar's aggregate classification.
Comment: This variant changes 1 nucleotide in exon 11 of the BRCA2 gene, creating a premature translation stop signal. This variant is expected to result in an absent or non-functional protein product. To our knowledge, this variant has been reported in individuals affected with thyroid carcinoma (PMID: 29625052) and in individuals referred for BRCA1/2 screening (PMID: 28263838, 29907814). This variant has been identified in 1/250600 chromosomes in the general population by the Genome Aggregation Database (gnomAD). Loss of BRCA2 function is a known mechanism of disease. Based on the available evidence, this variant is classified as Pathogenic.

Consortium of Investigators of Modifiers of BRCA1/2 (CIMBA), c/o University of Cambridge
Classification: Pathogenic for Breast-ovarian cancer, familial, susceptibility to, 2. Last evaluated: 2015-10-02. Review status: criteria provided, single submitter. Criteria: CIMBA Mutation Classification guidelines May 2016. Collection method: clinical testing. Allele origin: germline. Not counted in ClinVar's aggregate classification.

Literature cited by the submitters: PubMed 29907814 (cited by 3 submitters); PubMed 29446198 (cited by 3 submitters); PubMed 20104584 (cited by Labcorp Genetics (formerly Invitae), Labcorp).